The following is an entry in ClinVar:

NM_024757.5(EHMT1):c.3890C>T (p.Pro1297Leu)

Gene: EHMT1 (euchromatic histone lysine methyltransferase 1; plus strand). Cytogenetic location: 9q34.3.
Variant type: single nucleotide variant.
Coding change: c.3890C>T on transcript NM_024757.5 (MANE Select); coding-DNA position 3890, C replaced by T.
Protein change: p.Pro1297Leu; replaces proline 1297 with leucine.
Molecular consequence: missense variant.
Genome position (GRCh38, 1-based): chr9:137,834,946, C>T. VCF-style: chr9-137834946-C-T. GRCh37 (hg19) VCF-style: chr9-140729398-C-T.
Other names: c.3869C>T, p.Pro1290Leu (NM_001354263.2); short protein forms P1297L, P1290L.
Identifiers: ClinVar variation 2692951 (VCV002692951.3), dbSNP rs1043505719, ClinGen allele CA375784090.
Genomic context (GRCh38, chr9:137,834,946, plus strand): 5'-CGGCCCAGGAGGCCCAGGAGGACGGCTTGCCCGACACCAGCTCCGCGGCTGCCGCCGACC[C>T]CCTATGAGACGCCGCCGGCCAGCGGGGCGCTCGGGAGCCAGGGACCGCCGCGTCGCCGAT-3'
Protein context (NP_079033.4, residues 1287-1298): PDTSSAAAAD[Pro1297Leu]L

ClinVar aggregate classification (germline): Uncertain significance (1 of 4 stars; one submission).

Conditions:
Kleefstra syndrome 1 (KLEFS1). Identifiers: Orphanet 261494, MedGen C0795833, MONDO:0027407, OMIM 610253.

Submission:

Labcorp Genetics (formerly Invitae), Labcorp
Classification: Uncertain significance for Kleefstra syndrome 1. Last evaluated: 2023-06-05. Review status: criteria provided, single submitter. Criteria: Invitae Variant Classification Sherloc (09022015). Collection method: clinical testing. Allele origin: germline.
Comment: This sequence change replaces proline, which is neutral and non-polar, with leucine, which is neutral and non-polar, at codon 1297 of the EHMT1 protein (p.Pro1297Leu). This variant is not present in population databases (gnomAD no frequency). This variant has not been reported in the literature in individuals affected with EHMT1-related conditions. An algorithm developed to predict the effect of missense changes on protein structure and function (PolyPhen-2) suggests that this variant is likely to be disruptive. In summary, the available evidence is currently insufficient to determine the role of this variant in disease. Therefore, it has been classified as a Variant of Uncertain Significance.